The following is an entry in ClinVar:

ClinVar aggregate classification (germline): Uncertain significance (1 of 4 stars; one submission).

Submission:

Labcorp Genetics (formerly Invitae), Labcorp
Classification: Uncertain significance. Last evaluated: 2023-12-07. Review status: criteria provided, single submitter. Criteria: Invitae Variant Classification Sherloc (09022015). Collection method: clinical testing. Allele origin: germline.
Comment: This sequence change replaces arginine, which is basic and polar, with glycine, which is neutral and non-polar, at codon 2057 of the VCAN protein (p.Arg2057Gly). This variant is not present in population databases (gnomAD no frequency). This variant has not been reported in the literature in individuals affected with VCAN-related conditions. ClinVar contains an entry for this variant (Variation ID: 1715626). Algorithms developed to predict the effect of missense changes on protein structure and function output the following: SIFT: "Not Available"; PolyPhen-2: "Benign"; Align-GVGD: "Not Available". The glycine amino acid residue is found in multiple mammalian species, which suggests that this missense change does not adversely affect protein function. In summary, the available evidence is currently insufficient to determine the role of this variant in disease. Therefore, it has been classified as a Variant of Uncertain Significance.

NM_004385.5(VCAN):c.6169A>G (p.Arg2057Gly)

Genes: VCAN (versican; plus strand), VCAN-AS1 (VCAN antisense RNA 1; minus strand). Cytogenetic location: 5q14.3.
Variant type: single nucleotide variant.
Coding change: c.6169A>G on transcript NM_004385.5 (MANE Select); coding-DNA position 6169, A replaced by G.
Protein change: p.Arg2057Gly; replaces arginine 2057 with glycine.
Molecular consequence: missense variant. On other transcripts: intron variant (2).
Genome position (GRCh38, 1-based): chr5:83,539,172, A>G. VCF-style: chr5-83539172-A-G. GRCh37 (hg19) VCF-style: chr5-82834991-A-G.
Other names: c.3208A>G, p.Arg1070Gly (NM_001164097.2); c.4004-6365A>G (NM_001164098.2); c.1043-6365A>G (NM_001126336.3); short protein forms R1070G, R2057G.
Identifiers: ClinVar variation 1715626 (VCV001715626.5), dbSNP rs886060826, ClinGen allele CA360311965.